The following is an entry in ClinVar:

NM_000834.5(GRIN2B):c.138C>T (p.Asp46=)

Gene: GRIN2B (glutamate ionotropic receptor NMDA type subunit 2B; minus strand). Cytogenetic location: 12p13.1.
Variant type: single nucleotide variant.
Coding change: c.138C>T on transcript NM_000834.5 (MANE Select); coding-DNA position 138, C replaced by T.
Protein change: p.Asp46=; no amino-acid change (aspartic acid 46 retained).
Molecular consequence: synonymous variant.
Genome position (GRCh38, 1-based): chr12:13,866,071, G>A on the plus strand (C>T on the coding strand, the complement: GRIN2B is on the minus strand). VCF-style: chr12-13866071-G-A. GRCh37 (hg19) VCF-style: chr12-14019005-G-A.
Identifiers: ClinVar variation 544235 (VCV000544235.37), dbSNP rs200527066, ClinGen allele CA6461455.

ClinVar aggregate classification (germline): Likely benign. Review status: criteria provided, multiple submitters, no conflicts (2 of 4 stars). 3 submissions from 3 submitters: Likely benign (3). Last evaluated 2025-10-11.

Conditions:
Intellectual developmental disorder, autosomal dominant 6, with or without seizures. Also called: Intellectual disability, autosomal dominant 6; GRIN2B-related developmental delay, intellectual disability and autism spectrum disorder. Identifiers: Orphanet 589547, MedGen C3151411, MONDO:0013509, OMIM 613970.
Developmental and epileptic encephalopathy, 27 (DEE27). Also called: Epileptic encephalopathy, early infantile, 27; GRIN2B-Related Neurodevelopmental Disorder. Identifiers: Orphanet 3451, MedGen C4015316, MONDO:0014505, OMIM 616139.

Allele frequency attached by ClinVar (database versions not stated): gnomAD exomes 0.00004; gnomAD 0.00001; TOPMed 0.00003; ExAC 0.00005.
gnomAD v4.1: 43 of 1,613,946 alleles (0.0027%); highest among the groups gnomAD compares: African/African-American, 0.012%; no homozygotes.

Submissions (3):

Labcorp Genetics (formerly Invitae), Labcorp
Classification: Likely benign for Developmental and epileptic encephalopathy, 27; Intellectual developmental disorder, autosomal dominant 6, with or without seizures. Last evaluated: 2025-10-11. Review status: criteria provided, single submitter. Criteria: Invitae Variant Classification Sherloc (09022015). Collection method: clinical testing. Allele origin: germline.

CeGaT Center for Human Genetics Tuebingen
Classification: Likely benign. Last evaluated: 2023-08-01. Review status: criteria provided, single submitter. Criteria: CeGaT Center For Human Genetics Tuebingen Variant Classification Criteria Version 2. Collection method: clinical testing. Allele origin: germline. Affected: yes. Observed: 1 variant allele.
Comment: GRIN2B: PM2:Supporting, BP4, BP7

Breakthrough Genomics
Classification: Likely benign. Review status: criteria provided, single submitter. Criteria: ACMG Guidelines, 2015. Collection method: not provided. Allele origin: germline. Inheritance: Autosomal dominant inheritance. Affected: yes.